The following is an entry in ClinVar:

NM_000218.3(KCNQ1):c.1514+18147G>A

Genes: KCNQ1 (potassium voltage-gated channel subfamily Q member 1; plus strand), KCNQ1OT1 (KCNQ1 opposite strand/antisense transcript 1; minus strand). Cytogenetic location: 11p15.5.
Variant type: single nucleotide variant.
Coding change: c.1514+18147G>A on transcript NM_000218.3 (MANE Select); 18147 bases into the intron after coding-DNA position 1514, G replaced by A.
Molecular consequence: intron variant. On other transcripts: non-coding transcript variant (1).
Genome position (GRCh38, 1-based): chr11:2,680,228, G>A. VCF-style: chr11-2680228-G-A. GRCh37 (hg19) VCF-style: chr11-2701458-G-A.
Other names: c.1244+18147G>A (NM_001406837.1); c.1418+18147G>A (NM_001406836.1); c.974+18147G>A (NM_001406838.1); c.1133+18147G>A (NM_181798.2).
Identifiers: ClinVar variation 3032857 (VCV003032857.2), dbSNP rs995105956, ClinGen allele CA216184518.

ClinVar aggregate classification (germline): Likely benign (0 of 4 stars; one submission).

Conditions:
KCNQ1-related disorder. Also called: KCNQ1-related disorders; KCNQ1-related condition. Identifiers: MedGen CN239322.

Allele frequency attached by ClinVar (database versions not stated): gnomAD exomes 0.00009; gnomAD 0.00075.
gnomAD v4.1: 122 of 373,840 alleles (0.033%); highest among the groups gnomAD compares: African/African-American, 0.28%; no homozygotes.

Submission:

PreventionGenetics, part of Exact Sciences
Classification: Likely benign for KCNQ1-related condition. Last evaluated: 2022-04-15. Review status: no assertion criteria provided. Collection method: clinical testing. Allele origin: germline.
Comment: This variant is classified as likely benign based on ACMG/AMP sequence variant interpretation guidelines (Richards et al. 2015 PMID: 25741868, with internal and published modifications).